The following is an entry in ClinVar:

ClinVar aggregate classification (germline): Pathogenic (1 of 4 stars; one submission).

Conditions:
Severe combined immunodeficiency due to DCLRE1C deficiency (RS-SCID). Also called: SCID, AUTOSOMAL RECESSIVE, T CELL-NEGATIVE, B CELL-NEGATIVE, NK CELL-POSITIVE, WITH SENSITIVITY TO IONIZING RADIATION. Identifiers: Orphanet 275, MedGen C1865371, MONDO:0011225, OMIM 602450.

Submission:

Labcorp Genetics (formerly Invitae), Labcorp
Classification: Pathogenic for Athabaskan severe combined immunodeficiency. Last evaluated: 2023-06-23. Review status: criteria provided, single submitter. Criteria: Invitae Variant Classification Sherloc (09022015). Collection method: clinical testing. Allele origin: unknown.
Comment: This variant is a gross deletion of the genomic region encompassing exon(s) 1-8 of the DCLRE1C gene, which includes the initiator codon. This deletion extends beyond the assayed region for this gene and therefore may encompass additional genes. It is expected to result in an absent or disrupted protein product. Loss-of-function variants in DCLRE1C are known to be pathogenic (PMID: 21664875, 26123418). This variant has not been reported in the literature in individuals affected with DCLRE1C-related conditions. For these reasons, this variant has been classified as Pathogenic.

Literature cited by the submitters: PubMed 21664875; PubMed 26123418.

NC_000010.10:g.(?_14976359)_(14996009_?)del

Gene: DCLRE1C (DNA cross-link repair 1C; minus strand). Cytogenetic location: 10p13.
Variant type: Deletion.
Identifiers: ClinVar variation 3244870 (VCV003244870.1).